The following is an entry in ClinVar:

ClinVar aggregate classification (germline): Uncertain significance. Review status: criteria provided, multiple submitters, no conflicts (2 of 4 stars). 5 submissions from 5 submitters: Uncertain significance (5). Last evaluated 2025-09-04.

Conditions:
Familial thoracic aortic aneurysm and aortic dissection (TAAD). Also called: Thoracic aortic aneurysms and dissections. Identifiers: Orphanet 91387, MedGen C4707243, MONDO:0019625.
Loeys-Dietz syndrome 2 (LDS2). Also called: TGFBR2-Related Loeys-Dietz Syndrome; Marfan Syndrome type 2; Marfan like connective tissue disorder; MFS 2; Marfan syndrome, type 2 (formerly); AORTIC ANEURYSM, FAMILIAL THORACIC 3. Identifiers: Orphanet 284973, Orphanet 558, MedGen C2674574, MONDO:0012427, OMIM 610168.

Allele frequency attached by ClinVar (database versions not stated): gnomAD 0.00001; gnomAD exomes 0.00001; TOPMed 0.00001; ESP Exome Variant Server 0.00008.
gnomAD v4.1: 15 of 1,613,816 alleles (0.00093%); highest among the groups gnomAD compares: Non-Finnish European, 0.0013%; no homozygotes.

Submissions (5):

Labcorp Genetics (formerly Invitae), Labcorp
Classification: Uncertain significance for Familial thoracic aortic aneurysm and aortic dissection. Last evaluated: 2025-09-04. Review status: criteria provided, single submitter. Criteria: Invitae Variant Classification Sherloc (09022015). Collection method: clinical testing. Allele origin: germline.
Comment: This sequence change replaces threonine, which is neutral and polar, with serine, which is neutral and polar, at codon 516 of the TGFBR2 protein (p.Thr516Ser). This variant is not present in population databases (gnomAD no frequency). This variant has not been reported in the literature in individuals affected with TGFBR2-related conditions. ClinVar contains an entry for this variant (Variation ID: 213946). Invitae Evidence Modeling of protein sequence and biophysical properties (such as structural, functional, and spatial information, amino acid conservation, physicochemical variation, residue mobility, and thermodynamic stability) indicates that this missense variant is not expected to disrupt TGFBR2 protein function with a negative predictive value of 95%. In summary, the available evidence is currently insufficient to determine the role of this variant in disease. Therefore, it has been classified as a Variant of Uncertain Significance.

Ambry Genetics
Classification: Uncertain significance for Familial thoracic aortic aneurysm and aortic dissection. Last evaluated: 2024-12-04. Review status: criteria provided, single submitter. Criteria: Ambry Variant Classification Scheme 2023. Collection method: clinical testing. Allele origin: germline.
Comment: The p.T516S variant (also known as c.1546A>T), located in coding exon 7 of the TGFBR2 gene, results from an A to T substitution at nucleotide position 1546. The threonine at codon 516 is replaced by serine, an amino acid with similar properties. This amino acid position is well conserved in available vertebrate species. In addition, this alteration is predicted to be tolerated by in silico analysis. Based on the available evidence, the clinical significance of this variant remains unclear.

GeneDx
Classification: Uncertain significance. Last evaluated: 2024-04-04. Review status: criteria provided, single submitter. Criteria: GeneDx Variant Classification Process June 2021. Collection method: clinical testing. Allele origin: germline. Affected: yes.
Comment: Not observed at significant frequency in large population cohorts (gnomAD); In silico analysis supports that this missense variant has a deleterious effect on protein structure/function; Has not been previously published as pathogenic or benign to our knowledge

All of Us Research Program, National Institutes of Health
Classification: Uncertain significance for Loeys-Dietz syndrome 2. Last evaluated: 2023-10-30. Review status: criteria provided, single submitter. Criteria: ACMG Guidelines, 2015. Collection method: clinical testing. Allele origin: germline. Inheritance: Autosomal dominant inheritance. Observed: 3 variant alleles, 3 heterozygotes.
Comment: This missense variant replaces threonine with serine at codon 516 of the TGFBR2 protein. Computational prediction suggests that this variant may not impact protein structure and function (internally defined REVEL score threshold <= 0.5, PMID: 27666373). To our knowledge, functional studies have not been reported for this variant. This variant has not been reported in individuals affected with TGFBR2-related disorders in the literature. This variant has not been identified in the general population by the Genome Aggregation Database (gnomAD). The available evidence is insufficient to determine the role of this variant in disease conclusively. Therefore, this variant is classified as a Variant of Uncertain Significance.

This study involves interpretation of variants in research participants for the purpose of population health screening. Participant phenotype was not available at the time of variant classification. Additional details can be found in publication PMID: 35346344, PMCID: PMC8962531

Mayo Clinic Laboratories, Mayo Clinic
Classification: Uncertain significance for Loeys-Dietz syndrome 2. Last evaluated: 2017-08-10. Review status: criteria provided, single submitter. Criteria: ACMG Guidelines, 2015. Collection method: clinical testing. Allele origin: maternal.

NM_003242.6(TGFBR2):c.1546A>T (p.Thr516Ser)

Gene: TGFBR2 (transforming growth factor beta receptor 2; plus strand). Cytogenetic location: 3p24.1.
Variant type: single nucleotide variant.
Coding change: c.1546A>T on transcript NM_003242.6 (MANE Select); coding-DNA position 1546, A replaced by T.
Protein change: p.Thr516Ser; replaces threonine 516 with serine.
Molecular consequence: missense variant.
Genome position (GRCh38, 1-based): chr3:30,691,441, A>T. VCF-style: chr3-30691441-A-T. GRCh37 (hg19) VCF-style: chr3-30732933-A-T.
Other names: p.T516S:ACG>TCG; c.1543A>T, p.Thr515Ser (NM_001407130.1); c.1441A>T, p.Thr481Ser (NM_001407132.1, NM_001407133.1, NM_001407134.1 and 2 more transcripts); c.1261A>T, p.Thr421Ser (NM_001407137.1); c.1186A>T, p.Thr396Ser (NM_001407138.1); c.676A>T, p.Thr226Ser (NM_001407139.1); c.1621A>T, p.Thr541Ser (NM_001024847.3); c.1729A>T, p.Thr577Ser (NM_001407126.1); and 3 more; short protein forms T516S, T541S, T226S, T517S, T396S, T481S, T525S, T421S.
Identifiers: ClinVar variation 213946 (VCV000213946.14), dbSNP rs370708687, ClinGen allele CA322276.
Genomic context (GRCh38, chr3:30,691,441, plus strand): 5'-CCAACTCATGGTGCCCTTTGGATCTCTTTCCCGCTACAGGGCATCCAGATGGTGTGTGAG[A>T]CGTTGACTGAGTGCTGGGACCACGACCCAGAGGCCCGTCTCACAGCCCAGTGTGTGGCAG-3'
Protein context (NP_003233.4, residues 506-526): NHQGIQMVCE[Thr516Ser]LTECWDHDPE